The following is an entry in ClinVar:

ClinVar aggregate classification (germline): Uncertain significance (1 of 4 stars; one submission).

Submission:

Women's Health and Genetics/Laboratory Corporation of America, LabCorp
Classification: Uncertain significance. Last evaluated: 2025-05-05. Review status: criteria provided, single submitter. Criteria: LabCorp Variant Classification Summary - May 2015. Collection method: clinical testing. Allele origin: germline.
Comment: Variant summary: OPTN c.154C>G (p.His52Asp) results in a non-conservative amino acid change in the encoded protein sequence. Algorithms developed to predict the effect of missense changes on protein structure and function are either unavailable or do not agree on the potential impact of this missense change. The variant was absent in 251130 control chromosomes. The available data on variant occurrences in the general population are insufficient to allow any conclusion about variant significance. To our knowledge, no occurrence of c.154C>G in individuals affected with OPTN-Related Disorders and no experimental evidence demonstrating its impact on protein function have been reported. No submitters have cited clinical-significance assessments for this variant to ClinVar. Based on the evidence outlined above, the variant was classified as uncertain significance.

NM_001008212.2(OPTN):c.154C>G (p.His52Asp)

Genes: OPTN (optineurin; plus strand), LOC108903148 (10p13 OPTN distal Alu-mediated recombination region; plus strand). Cytogenetic location: 10p13.
Variant type: single nucleotide variant.
Coding change: c.154C>G on transcript NM_001008212.2 (MANE Select); coding-DNA position 154, C replaced by G.
Protein change: p.His52Asp; replaces histidine 52 with aspartic acid.
Molecular consequence: missense variant.
Genome position (GRCh38, 1-based): chr10:13,109,276, C>G. VCF-style: chr10-13109276-C-G. GRCh37 (hg19) VCF-style: chr10-13151276-C-G.
Other names: c.154C>G, p.His52Asp (NM_001008211.1, NM_001008213.1, NM_021980.4); short protein forms H52D.
Identifiers: ClinVar variation 3902506 (VCV003902506.1).